The following is an entry in ClinVar:

NM_030632.3(ASXL3):c.1250G>T (p.Gly417Val)

Gene: ASXL3 (ASXL transcriptional regulator 3; plus strand). Cytogenetic location: 18q12.1.
Variant type: single nucleotide variant.
Coding change: c.1250G>T on transcript NM_030632.3 (MANE Select); coding-DNA position 1250, G replaced by T.
Protein change: p.Gly417Val; replaces glycine 417 with valine.
Molecular consequence: missense variant.
Genome position (GRCh38, 1-based): chr18:33,738,654, G>T. VCF-style: chr18-33738654-G-T. GRCh37 (hg19) VCF-style: chr18-31318618-G-T.
Other names: short protein forms G417V.
Identifiers: ClinVar variation 4831853 (VCV004831853.1).

ClinVar aggregate classification (germline): Uncertain significance (1 of 4 stars; one submission).

Conditions:
Inborn genetic diseases. Identifiers: MedGen C0950123, MeSH D030342.

gnomAD v4.1: 2 of 1,613,954 alleles (0.00012%); highest among the groups gnomAD compares: Middle Eastern, 0.016%; no homozygotes.

Submission:

Ambry Genetics
Classification: Uncertain significance for Inborn genetic diseases. Last evaluated: 2026-01-09. Review status: criteria provided, single submitter. Criteria: Ambry Variant Classification Scheme 2023. Collection method: clinical testing. Allele origin: germline.
Comment: The c.1250G>T (p.G417V) alteration is located in exon 11 (coding exon 11) of the ASXL3 gene. This alteration results from a G to T substitution at nucleotide position 1250, causing the glycine (G) at amino acid position 417 to be replaced by a valine (V). Based on data from gnomAD, the T allele has an overall frequency of <0.001% (1/249144) total alleles studied. The highest observed frequency was 0.003% (1/34510) of Latino alleles. Based on insufficient or conflicting evidence, the clinical significance of this alteration remains unclear.